The following is an entry in ClinVar:

ClinVar aggregate classification (germline): Benign (1 of 4 stars; one submission).

Conditions:
Emery-Dreifuss muscular dystrophy 5, autosomal dominant (EDMD5). Also called: EMERY-DREIFUSS MUSCULAR DYSTROPHY 5. Identifiers: Orphanet 261, MedGen C2751805, MONDO:0013072, OMIM 612999.

Allele frequency attached by ClinVar (database versions not stated): TOPMed 0.00872; 1000 Genomes Project 0.00879; gnomAD 0.00951 and 0.01003; 1000 Genomes Project 30x 0.00953; gnomAD exomes 0.01698.
gnomAD v4.1: 1,439 of 152,844 alleles (0.94%); highest among the groups gnomAD compares: African/African-American, 1.8%; 10 homozygotes.

Submission:

Illumina Laboratory Services, Illumina
Classification: Benign for Emery-Dreifuss muscular dystrophy 5, autosomal dominant. Last evaluated: 2018-01-13. Review status: criteria provided, single submitter. Criteria: ICSL Variant Classification Criteria 13 December 2019. Collection method: clinical testing. Allele origin: germline.
Comment: This variant was observed in the ICSL laboratory as part of a predisposition screen in an ostensibly healthy population. It had not been previously curated by ICSL or reported in the Human Gene Mutation Database (HGMD: prior to June 1st, 2018), and was therefore a candidate for classification through an automated scoring system. Utilizing variant allele frequency, disease prevalence and penetrance estimates, and inheritance mode, an automated score was calculated to assess if this variant is too frequent to cause the disease. Based on the score and internal cut-off values, a variant classified as benign is not then subjected to further curation. The score for this variant resulted in a classification of benign for this disease.

NM_182914.3(SYNE2):c.*661T>A

Gene: SYNE2 (spectrin repeat containing nuclear envelope protein 2; plus strand). Cytogenetic location: 14q23.2.
Variant type: single nucleotide variant.
Coding change: c.*661T>A on transcript NM_182914.3 (MANE Select); 661 bases downstream of the stop codon, T replaced by A.
Molecular consequence: 3 prime UTR variant.
Genome position (GRCh38, 1-based): chr14:64,226,187, T>A. VCF-style: chr14-64226187-T-A. GRCh37 (hg19) VCF-style: chr14-64692905-T-A.
Other names: c.*661T>A (NM_015180.6, NM_182910.2, NM_182913.4).
Identifiers: ClinVar variation 313685 (VCV000313685.5), dbSNP rs192584109, ClinGen allele CA10640571.
Genomic context (GRCh38, chr14:64,226,187, plus strand): 5'-TTTGTGCATATTTTTTAACAATGCCCAATCTGTATGAATAATGTAAACTTCGATTTTTTT[T>A]TAAAAAAATTAGATTTTAGCTGGAGCTTTTGACTAATGTAAAGTAAATGCCAAACTACCG-3'